The following is an entry in ClinVar:

NM_001212.4(C1QBP):c.232G>A (p.Gly78Arg)

Genes: C1QBP (complement C1q binding protein; minus strand), LOC130060074 (ATAC-STARR-seq lymphoblastoid silent region 8069; plus strand). Cytogenetic location: 17p13.2.
Variant type: single nucleotide variant.
Coding change: c.232G>A on transcript NM_001212.4 (MANE Select); coding-DNA position 232, G replaced by A.
Protein change: p.Gly78Arg; replaces glycine 78 with arginine.
Molecular consequence: missense variant.
Genome position (GRCh38, 1-based): chr17:5,438,842, C>T on the plus strand (G>A on the coding strand, the complement: C1QBP is on the minus strand). VCF-style: chr17-5438842-C-T. GRCh37 (hg19) VCF-style: chr17-5342162-C-T.
Other names: short protein forms G78R.
Identifiers: ClinVar variation 1929262 (VCV001929262.5), dbSNP rs1916343536, ClinGen allele CA397373637.

ClinVar aggregate classification (germline): Uncertain significance (1 of 4 stars; one submission).

Allele frequency attached by ClinVar (database versions not stated): TOPMed below 0.00001.

Submission:

Labcorp Genetics (formerly Invitae), Labcorp
Classification: Uncertain significance. Last evaluated: 2022-05-05. Review status: criteria provided, single submitter. Criteria: Invitae Variant Classification Sherloc (09022015). Collection method: clinical testing. Allele origin: germline.
Comment: In summary, the available evidence is currently insufficient to determine the role of this variant in disease. Therefore, it has been classified as a Variant of Uncertain Significance. Variants that disrupt the consensus splice site are a relatively common cause of aberrant splicing (PMID: 17576681, 9536098). Algorithms developed to predict the effect of sequence changes on RNA splicing suggest that this variant may create or strengthen a splice site. Algorithms developed to predict the effect of missense changes on protein structure and function are either unavailable or do not agree on the potential impact of this missense change (SIFT: "Tolerated"; PolyPhen-2: "Probably Damaging"; Align-GVGD: "Class C0"). This variant has not been reported in the literature in individuals affected with C1QBP-related conditions. This variant is not present in population databases (gnomAD no frequency). This sequence change replaces glycine, which is neutral and non-polar, with arginine, which is basic and polar, at codon 78 of the C1QBP protein (p.Gly78Arg). This variant also falls at the last nucleotide of exon 1, which is part of the consensus splice site for this exon.

Literature cited by the submitters: PubMed 17576681; PubMed 9536098.